The following is an entry in ClinVar:

NM_031885.5(BBS2):c.1822C>T (p.Gln608Ter)

Gene: BBS2 (Bardet-Biedl syndrome 2; minus strand). Cytogenetic location: 16q13.
Variant type: single nucleotide variant.
Coding change: c.1822C>T on transcript NM_031885.5 (MANE Select); coding-DNA position 1822, C replaced by T.
Protein change: p.Gln608Ter; replaces glutamine 608 with a stop codon.
Molecular consequence: nonsense. On other transcripts: non-coding transcript variant (5).
Genome position (GRCh38, 1-based): chr16:56,497,055, G>A on the plus strand (C>T on the coding strand, the complement: BBS2 is on the minus strand). VCF-style: chr16-56497055-G-A. GRCh37 (hg19) VCF-style: chr16-56530967-G-A.
Other names: c.1822C>T, p.Gln608Ter (NM_001377456.1); short protein forms Q608*.
Identifiers: ClinVar variation 2760081 (VCV002760081.4), dbSNP rs2543695558, ClinGen allele CA395975637.

ClinVar aggregate classification (germline): Pathogenic (1 of 4 stars; one submission).

Conditions:
Bardet-Biedl syndrome (BBS). Identifiers: Orphanet 110, MedGen C0752166, MONDO:0015229.

Submission:

Labcorp Genetics (formerly Invitae), Labcorp
Classification: Pathogenic for Bardet-Biedl syndrome. Last evaluated: 2023-09-11. Review status: criteria provided, single submitter. Criteria: Invitae Variant Classification Sherloc (09022015). Collection method: clinical testing. Allele origin: germline.
Comment: Algorithms developed to predict the effect of sequence changes on RNA splicing suggest that this variant may disrupt the consensus splice site. For these reasons, this variant has been classified as Pathogenic. This variant has not been reported in the literature in individuals affected with BBS2-related conditions. This variant is not present in population databases (gnomAD no frequency). This sequence change creates a premature translational stop signal (p.Gln608*) in the BBS2 gene. It is expected to result in an absent or disrupted protein product. Loss-of-function variants in BBS2 are known to be pathogenic (PMID: 11285252, 20177705, 24608809, 26518167).

Literature cited by the submitters: PubMed 11285252; PubMed 20177705; PubMed 24608809; PubMed 26518167.